The following is an entry in ClinVar:

NM_001277115.2(DNAH11):c.7240T>G (p.Phe2414Val)

Gene: DNAH11 (dynein axonemal heavy chain 11; plus strand). Cytogenetic location: 7p15.3.
Variant type: single nucleotide variant.
Coding change: c.7240T>G on transcript NM_001277115.2 (MANE Select); coding-DNA position 7240, T replaced by G.
Protein change: p.Phe2414Val; replaces phenylalanine 2414 with valine.
Molecular consequence: missense variant.
Genome position (GRCh38, 1-based): chr7:21,720,830, T>G. VCF-style: chr7-21720830-T-G. GRCh37 (hg19) VCF-style: chr7-21760448-T-G.
Other names: c.7261T>G, p.Phe2421Val (NM_003777.3); short protein forms F2414V, F2421V.
Identifiers: ClinVar variation 2447538 (VCV002447538.5), dbSNP rs1415224732, ClinGen allele CA366944185.
Genomic context (GRCh38, chr7:21,720,830, plus strand): 5'-CCTTCTGACAGCCCAAAAGAAGTTTATGAAGTCTATTTTGTATTTGCTTGTATCTGGGCT[T>G]TTGGAGGCACCCTGCTACAAGATCAGGTATGTTTAGAAATAGTTTACAGGACCAGTTTCC-3'
Protein context (NP_001264044.1, residues 2404-2424): VYFVFACIWA[Phe2414Val]GGTLLQDQIS

ClinVar aggregate classification (germline): Conflicting classifications of pathogenicity. Review status: criteria provided, conflicting classifications (1 of 4 stars). 2 submissions from 2 submitters: Uncertain significance (1); Benign (1). Last evaluated 2024-10-22.

Conditions:
Primary ciliary dyskinesia. Also called: Ciliary dyskinesia. Identifiers: Orphanet 244, MedGen C0008780, MONDO:0016575, HP:0012265.

Allele frequency attached by ClinVar (database versions not stated): TOPMed 0.00001.
gnomAD v4.1: 28 of 1,613,100 alleles (0.0017%); highest among the groups gnomAD compares: Non-Finnish European, 0.0024%; no homozygotes.

Submissions (2):

Labcorp Genetics (formerly Invitae), Labcorp
Classification: Benign for Primary ciliary dyskinesia. Last evaluated: 2024-10-22. Review status: criteria provided, single submitter. Criteria: Invitae Variant Classification Sherloc (09022015). Collection method: clinical testing. Allele origin: germline.

Ambry Genetics
Classification: Uncertain significance for Primary ciliary dyskinesia. Last evaluated: 2023-01-19. Review status: criteria provided, single submitter. Criteria: Ambry Variant Classification Scheme 2023. Collection method: clinical testing. Allele origin: germline.
Comment: The p.F2414V variant (also known as c.7240T>G), located in coding exon 44 of the DNAH11 gene, results from a T to G substitution at nucleotide position 7240. The phenylalanine at codon 2414 is replaced by valine, an amino acid with highly similar properties. This amino acid position is conserved. In addition, the in silico prediction for this alteration is inconclusive. Since supporting evidence is limited at this time, the clinical significance of this alteration remains unclear.